The following is an entry in ClinVar:

ClinVar aggregate classification (germline): Uncertain significance (1 of 4 stars; one submission).

Allele frequency attached by ClinVar (database versions not stated): gnomAD 0.00001; TOPMed 0.00001; ExAC 0.00002; gnomAD exomes 0.00003.

Submission:

GeneDx
Classification: Uncertain significance. Last evaluated: 2024-11-15. Review status: criteria provided, single submitter. Criteria: GeneDx Variant Classification Process June 2021. Collection method: clinical testing. Allele origin: germline. Affected: yes.
Comment: Not observed at significant frequency in large population cohorts (gnomAD); In silico analysis indicates that this missense variant does not alter protein structure/function; Has not been previously published as pathogenic or benign to our knowledge

NM_014844.5(TECPR2):c.4192A>G (p.Met1398Val)

Gene: TECPR2 (tectonin beta-propeller repeat containing 2; plus strand). Cytogenetic location: 14q32.31.
Variant type: single nucleotide variant.
Coding change: c.4192A>G on transcript NM_014844.5 (MANE Select); coding-DNA position 4192, A replaced by G.
Protein change: p.Met1398Val; replaces methionine 1398 with valine.
Molecular consequence: missense variant.
Genome position (GRCh38, 1-based): chr14:102,498,213, A>G. VCF-style: chr14-102498213-A-G. GRCh37 (hg19) VCF-style: chr14-102964550-A-G.
Other names: short protein forms M1398V.
Identifiers: ClinVar variation 2579334 (VCV002579334.2), dbSNP rs751255793, ClinGen allele CA7358495.